The following is an entry in ClinVar:

NM_000138.5(FBN1):c.5069T>C (p.Met1690Thr)

Gene: FBN1 (fibrillin 1; minus strand). Cytogenetic location: 15q21.1.
Variant type: single nucleotide variant.
Coding change: c.5069T>C on transcript NM_000138.5 (MANE Select); coding-DNA position 5069, T replaced by C.
Protein change: p.Met1690Thr; replaces methionine 1690 with threonine.
Molecular consequence: missense variant.
Genome position (GRCh38, 1-based): chr15:48,463,237, A>G on the plus strand (T>C on the coding strand, the complement: FBN1 is on the minus strand). VCF-style: chr15-48463237-A-G. GRCh37 (hg19) VCF-style: chr15-48755434-A-G.
Other names: short protein forms M1690T.
Identifiers: ClinVar variation 925501 (VCV000925501.4), dbSNP rs199644881, ClinGen allele CA392349384.

ClinVar aggregate classification (germline): Uncertain significance (1 of 4 stars; one submission).

Conditions:
Familial thoracic aortic aneurysm and aortic dissection (TAAD). Also called: Thoracic aortic aneurysms and dissections. Identifiers: Orphanet 91387, MedGen C4707243, MONDO:0019625.

Allele frequency attached by ClinVar (database versions not stated): gnomAD exomes 0.00001.

Submission:

Color Diagnostics, LLC DBA Color Health
Classification: Uncertain significance for Familial thoracic aortic aneurysm and aortic dissection. Last evaluated: 2024-03-06. Review status: criteria provided, single submitter. Criteria: ACMG Guidelines, 2015. Collection method: clinical testing. Allele origin: germline.
Comment: This missense variant replaces methionine with threonine at codon 1690 of the FBN1 protein. Computational prediction is inconclusive regarding the impact of this variant on protein structure and function (internally defined REVEL score threshold 0.5 < inconclusive < 0.7, PMID: 27666373). Splice site prediction tools suggest that this variant may not impact RNA splicing. To our knowledge, functional studies have not been reported for this variant. This variant has not been reported in individuals affected with cardiovascular disorders in the literature. This variant has not been identified in the general population by the Genome Aggregation Database (gnomAD). The available evidence is insufficient to determine the role of this variant in disease conclusively. Therefore, this variant is classified as a Variant of Uncertain Significance.